The following is an entry in ClinVar:

ClinVar aggregate classification (germline): Uncertain significance (1 of 4 stars; one submission).

Submission:

Labcorp Genetics (formerly Invitae), Labcorp
Classification: Uncertain significance. Last evaluated: 2022-07-19. Review status: criteria provided, single submitter. Criteria: Invitae Variant Classification Sherloc (09022015). Collection method: clinical testing. Allele origin: germline.
Comment: This variant is not present in population databases (gnomAD no frequency). This sequence change replaces alanine, which is neutral and non-polar, with threonine, which is neutral and polar, at codon 1950 of the PRPF8 protein (p.Ala1950Thr). This variant has not been reported in the literature in individuals affected with PRPF8-related conditions. In summary, the available evidence is currently insufficient to determine the role of this variant in disease. Therefore, it has been classified as a Variant of Uncertain Significance. Algorithms developed to predict the effect of missense changes on protein structure and function (SIFT, PolyPhen-2, Align-GVGD) all suggest that this variant is likely to be tolerated. ClinVar contains an entry for this variant (Variation ID: 1390849).

NM_006445.4(PRPF8):c.5848G>A (p.Ala1950Thr)

Gene: PRPF8 (pre-mRNA processing factor 8; minus strand). Cytogenetic location: 17p13.3.
Variant type: single nucleotide variant.
Coding change: c.5848G>A on transcript NM_006445.4 (MANE Select); coding-DNA position 5848, G replaced by A.
Protein change: p.Ala1950Thr; replaces alanine 1950 with threonine.
Molecular consequence: missense variant.
Genome position (GRCh38, 1-based): chr17:1,655,489, C>T on the plus strand (G>A on the coding strand, the complement: PRPF8 is on the minus strand). VCF-style: chr17-1655489-C-T. GRCh37 (hg19) VCF-style: chr17-1558783-C-T.
Other names: short protein forms A1950T.
Identifiers: ClinVar variation 1390849 (VCV001390849.6), dbSNP rs2151112459, ClinGen allele CA397569636.